The following is an entry in ClinVar:

NM_003742.4(ABCB11):c.883G>C (p.Gly295Arg)

Gene: ABCB11 (ATP binding cassette subfamily B member 11; minus strand). Cytogenetic location: 2q31.1.
Variant type: single nucleotide variant.
Coding change: c.883G>C on transcript NM_003742.4 (MANE Select); coding-DNA position 883, G replaced by C.
Protein change: p.Gly295Arg; replaces glycine 295 with arginine.
Molecular consequence: missense variant.
Genome position (GRCh38, 1-based): chr2:168,990,826, C>G on the plus strand (G>C on the coding strand, the complement: ABCB11 is on the minus strand). VCF-style: chr2-168990826-C-G. GRCh37 (hg19) VCF-style: chr2-169847336-C-G.
Other names: short protein forms G295R.
Identifiers: ClinVar variation 2171716 (VCV002171716.2), dbSNP rs76133714, ClinGen allele CA1951779.

ClinVar aggregate classification (germline): Uncertain significance. Review status: criteria provided, multiple submitters, no conflicts (2 of 4 stars). 2 submissions from 2 submitters: Uncertain significance (2). Last evaluated 2026-04-14.

Conditions:
Familial intrahepatic cholestasis. Identifiers: Orphanet 284385, MedGen CN296401, MONDO:0017290.

Allele frequency attached by ClinVar (database versions not stated): TOPMed below 0.00001; gnomAD exomes 0.00001; ExAC 0.00002.
gnomAD v4.1: 12 of 1,613,146 alleles (0.00074%); highest among the groups gnomAD compares: Admixed American, 0.0017%; no homozygotes.

Submissions (2):

Genomenon, Inc
Classification: Uncertain significance for Familial intrahepatic cholestasis. Last evaluated: 2026-04-14. Review status: criteria provided, single submitter. Criteria: Genomenon Sequence Variant Interpretation Standards - Updated. Collection method: curation. Allele origin: germline. Affected: no.
Comment: ABCB11 p.Gly295Arg (c.883G>C) is a missense variant that changes the amino acid at residue 295 from Glycine to Arginine. This variant has been reported in the published literature (PMID:22795478). It is absent or not present at a significant frequency in gnomAD. In silico models predict that this variant is possibly or probably damaging. In conclusion, we classify ABCB11 p.Gly295Arg (c.883G>C) as a variant of uncertain significance.

Labcorp Genetics (formerly Invitae), Labcorp
Classification: Uncertain significance. Last evaluated: 2022-03-26. Review status: criteria provided, single submitter. Criteria: Invitae Variant Classification Sherloc (09022015). Collection method: clinical testing. Allele origin: germline.
Comment: This sequence change replaces glycine, which is neutral and non-polar, with arginine, which is basic and polar, at codon 295 of the ABCB11 protein (p.Gly295Arg). This variant is present in population databases (rs76133714, gnomAD 0.004%). This variant has not been reported in the literature in individuals affected with ABCB11-related conditions. Advanced modeling of protein sequence and biophysical properties (such as structural, functional, and spatial information, amino acid conservation, physicochemical variation, residue mobility, and thermodynamic stability) performed at Invitae indicates that this missense variant is expected to disrupt ABCB11 protein function. In summary, the available evidence is currently insufficient to determine the role of this variant in disease. Therefore, it has been classified as a Variant of Uncertain Significance.

Literature cited by the submitters: PubMed 22795478 (cited by Genomenon, Inc).